The following is an entry in ClinVar:

ClinVar aggregate classification (germline): Uncertain significance (1 of 4 stars; one submission).

Conditions:
Androgen resistance syndrome (AIS). Also called: Androgen insensitivity, complete; Androgen insensitivity syndrome due to coactivator deficiency; Androgen insensitivity syndrome; Androgen insensitivity; ANDROGEN RECEPTOR DEFICIENCY; DIHYDROTESTOSTERONE RECEPTOR DEFICIENCY. Identifiers: Orphanet 754, Orphanet 99429, MedGen C0039585, MONDO:0019154, OMIM 300068. Disease mechanism: loss of function.
Kennedy disease (SMAX1). Also called: Spinal and Bulbar Muscular Atrophy; SPINAL AND BULBAR MUSCULAR ATROPHY, X-LINKED 1; KENNEDY SPINAL AND BULBAR MUSCULAR ATROPHY. Identifiers: Orphanet 481, MedGen C1839259, MONDO:0010735, OMIM 313200.

Submission:

Labcorp Genetics (formerly Invitae), Labcorp
Classification: Uncertain significance for Kennedy disease; Androgen resistance syndrome. Last evaluated: 2025-04-21. Review status: criteria provided, single submitter. Criteria: Invitae Variant Classification Sherloc (09022015). Collection method: clinical testing. Allele origin: germline.
Comment: This sequence change replaces phenylalanine, which is neutral and non-polar, with serine, which is neutral and polar, at codon 674 of the AR protein (p.Phe674Ser). This variant is not present in population databases (gnomAD no frequency). This variant has not been reported in the literature in individuals affected with AR-related conditions. ClinVar contains an entry for this variant (Variation ID: 660715). Invitae Evidence Modeling of protein sequence and biophysical properties (such as structural, functional, and spatial information, amino acid conservation, physicochemical variation, residue mobility, and thermodynamic stability) indicates that this missense variant is expected to disrupt AR protein function with a positive predictive value of 95%. In summary, the available evidence is currently insufficient to determine the role of this variant in disease. Therefore, it has been classified as a Variant of Uncertain Significance.

NM_000044.6(AR):c.2021T>C (p.Phe674Ser)

Gene: AR (androgen receptor; plus strand). Cytogenetic location: Xq12.
Variant type: single nucleotide variant.
Coding change: c.2021T>C on transcript NM_000044.6 (MANE Select); coding-DNA position 2021, T replaced by C.
Protein change: p.Phe674Ser; replaces phenylalanine 674 with serine.
Molecular consequence: missense variant.
Genome position (GRCh38, 1-based): chrX:67,711,537, T>C. VCF-style: chrX-67711537-T-C. GRCh37 (hg19) VCF-style: chrX-66931379-T-C.
Other names: c.425T>C, p.Phe142Ser (NM_001011645.3); short protein forms F142S, F674S.
Identifiers: ClinVar variation 660715 (VCV000660715.8), dbSNP rs1602272541, ClinGen allele CA413423241.